The following is an entry in ClinVar:

ClinVar aggregate classification (germline): Benign (0 of 4 stars; one submission).

Conditions:
KDM3A-related disorder. Also called: KDM3A-related condition.

Allele frequency attached by ClinVar (database versions not stated): gnomAD exomes 0.00051; gnomAD 0.00082; TOPMed 0.00097; ExAC 0.00167; 1000 Genomes Project 30x 0.00406; 1000 Genomes Project 0.00419.
gnomAD v4.1: 863 of 1,614,044 alleles (0.053%); highest among the groups gnomAD compares: East Asian, 1.7%; 12 homozygotes.

Submission:

PreventionGenetics, part of Exact Sciences
Classification: Benign for KDM3A-related condition. Last evaluated: 2019-06-17. Review status: no assertion criteria provided. Collection method: clinical testing. Allele origin: germline.
Comment: This variant is classified as benign based on ACMG/AMP sequence variant interpretation guidelines (Richards et al. 2015 PMID: 25741868, with internal and published modifications).

NM_018433.6(KDM3A):c.1917T>G (p.Ala639=)

Gene: KDM3A (lysine demethylase 3A; plus strand). Cytogenetic location: 2p11.2.
Variant type: single nucleotide variant.
Coding change: c.1917T>G on transcript NM_018433.6 (MANE Select); coding-DNA position 1917, T replaced by G.
Protein change: p.Ala639=; no amino-acid change (alanine 639 retained).
Molecular consequence: synonymous variant.
Genome position (GRCh38, 1-based): chr2:86,474,968, T>G. VCF-style: chr2-86474968-T-G. GRCh37 (hg19) VCF-style: chr2-86702091-T-G.
Other names: c.1917T>G, p.Ala639= (NM_001146688.2).
Identifiers: ClinVar variation 3034215 (VCV003034215.2), dbSNP rs143719053, ClinGen allele CA1749530.
Genomic context (GRCh38, chr2:86,474,968, plus strand): 5'-GTACATCTTGGCCAACATTGGAGACCACTTCTGTCAAATGGTGATTTCTGAAAAGGAAGC[T>G]ATGTCAACTATTGAGCCACACAGTAAGAGCATCTCTTAGGGGGTAGGATTTTCGAGCCCA-3'
Protein context (NP_060903.2, residues 629-649): FCQMVISEKE[Ala639=]MSTIEPHRQV